The following is an entry in ClinVar:

ClinVar aggregate classification (germline): Uncertain significance (1 of 4 stars; one submission).

gnomAD v4.1: 87 of 1,613,982 alleles (0.0054%); highest among the groups gnomAD compares: East Asian, 0.018%; no homozygotes.

Submission:

CeGaT Center for Human Genetics Tuebingen
Classification: Uncertain significance. Last evaluated: 2025-06-01. Review status: criteria provided, single submitter. Criteria: CeGaT Center For Human Genetics Tuebingen Variant Classification Criteria Version 2. Collection method: clinical testing. Allele origin: germline. Affected: yes. Observed: 1 variant allele.
Comment: ATG7: PM2

NM_001349232.2(ATG7):c.1894C>T (p.Arg632Trp)

Gene: ATG7 (autophagy related 7; plus strand). Cytogenetic location: 3p25.3.
Variant type: single nucleotide variant.
Coding change: c.1894C>T on transcript NM_001349232.2 (MANE Select); coding-DNA position 1894, C replaced by T.
Protein change: p.Arg632Trp; replaces arginine 632 with tryptophan.
Molecular consequence: missense variant. On other transcripts: intron variant (1).
Genome position (GRCh38, 1-based): chr3:11,379,990, C>T. VCF-style: chr3-11379990-C-T. GRCh37 (hg19) VCF-style: chr3-11421464-C-T.
Other names: c.1777C>T, p.Arg593Trp (NM_001144912.2, NM_001349236.2); c.1894C>T, p.Arg632Trp (NM_001349233.2, NM_001349234.2, NM_001349235.2 and 1 more transcripts); c.1735C>T, p.Arg579Trp (NM_001349237.2); c.961C>T, p.Arg321Trp (NM_001349238.2); c.1875+15256C>T (NM_001136031.3); short protein forms R321W, R579W, R593W, R632W.
Identifiers: ClinVar variation 4084836 (VCV004084836.8).